The following is an entry in ClinVar:

ClinVar aggregate classification (germline): Uncertain significance. Review status: criteria provided, multiple submitters, no conflicts (2 of 4 stars). 3 submissions from 3 submitters: Uncertain significance (3). Last evaluated 2025-06-24.

Conditions:
Hereditary spastic paraplegia 39 (SPG39). Also called: Spastic Paraplegia Type 39 (SPG39); SPASTIC PARAPLEGIA 39, AUTOSOMAL RECESSIVE. Identifiers: Orphanet 139480, MedGen C2677586, MONDO:0012787, OMIM 612020.
Inborn genetic diseases. Identifiers: MedGen C0950123, MeSH D030342.

Allele frequency attached by ClinVar (database versions not stated): gnomAD exomes 0.00001; ExAC 0.00004; TOPMed 0.00008; gnomAD 0.00011 and 0.00012; ESP Exome Variant Server 0.00015.
gnomAD v4.1: 28 of 1,600,130 alleles (0.0017%); highest among the groups gnomAD compares: African/African-American, 0.038%; no homozygotes.

Submissions (3):

Ambry Genetics
Classification: Uncertain significance for Inborn genetic diseases. Last evaluated: 2025-06-24. Review status: criteria provided, single submitter. Criteria: Ambry Variant Classification Scheme 2023. Collection method: clinical testing. Allele origin: germline.

Labcorp Genetics (formerly Invitae), Labcorp
Classification: Uncertain significance for Hereditary spastic paraplegia 39. Last evaluated: 2022-07-17. Review status: criteria provided, single submitter. Criteria: Invitae Variant Classification Sherloc (09022015). Collection method: clinical testing. Allele origin: germline.
Comment: This sequence change replaces glutamine, which is neutral and polar, with arginine, which is basic and polar, at codon 756 of the PNPLA6 protein (p.Gln756Arg). This variant is present in population databases (rs138366337, gnomAD 0.03%). This variant has not been reported in the literature in individuals affected with PNPLA6-related conditions. ClinVar contains an entry for this variant (Variation ID: 1420182). Algorithms developed to predict the effect of missense changes on protein structure and function (SIFT, PolyPhen-2, Align-GVGD) all suggest that this variant is likely to be tolerated. In summary, the available evidence is currently insufficient to determine the role of this variant in disease. Therefore, it has been classified as a Variant of Uncertain Significance.

Blueprint Genetics
Classification: Uncertain significance. Last evaluated: 2021-12-19. Review status: criteria provided, single submitter. Criteria: ACMG Guidelines, 2015. Collection method: clinical testing. Allele origin: germline.

NM_001166114.2(PNPLA6):c.2381A>G (p.Gln794Arg)

Gene: PNPLA6 (patatin like domain 6, lysophospholipase; plus strand). Cytogenetic location: 19p13.2.
Variant type: single nucleotide variant.
Coding change: c.2381A>G on transcript NM_001166114.2 (MANE Select); coding-DNA position 2381, A replaced by G.
Protein change: p.Gln794Arg; replaces glutamine 794 with arginine.
Molecular consequence: missense variant.
Genome position (GRCh38, 1-based): chr19:7,553,995, A>G. VCF-style: chr19-7553995-A-G. GRCh37 (hg19) VCF-style: chr19-7618881-A-G.
Other names: c.2267A>G (NM_006702.4); c.2411A>G, p.Gln804Arg (NM_001166111.2); c.2186A>G, p.Gln729Arg (NM_001166112.2); c.2267A>G, p.Gln756Arg (NM_001166113.1, NM_006702.5); short protein forms Q729R, Q794R, Q756R, Q804R.
Identifiers: ClinVar variation 1420182 (VCV001420182.7), dbSNP rs138366337, ClinGen allele CA9140068.
Genomic context (GRCh38, chr19:7,553,995, plus strand): 5'-CTGTGGCAATCCTGCCTGTGTGTGCTGAGGTCCCCATGGTGGCCTTCACGCTGGAGCTGC[A>G]GCACGCCCTGCAGGCCATCGGTCAGTGGGGTGAGGGTCATGGGTGGGGGCTGGCGGTGGG-3'
Protein context (NP_001159586.1, residues 784-804): VPMVAFTLEL[Gln794Arg]HALQAIGPTL